The following is an entry in ClinVar:

NM_012082.4(ZFPM2):c.2651G>A (p.Arg884His)

Genes: ZFPM2 (zinc finger protein, FOG family member 2; plus strand), ZFPM2-AS1 (ZFPM2 antisense RNA 1; minus strand), LOC126860469 (BRD4-independent group 4 enhancer GRCh37_chr8:106814445-106815644; plus strand). Cytogenetic location: 8q23.1.
Variant type: single nucleotide variant.
Coding change: c.2651G>A on transcript NM_012082.4 (MANE Select); coding-DNA position 2651, G replaced by A.
Protein change: p.Arg884His; replaces arginine 884 with histidine.
Molecular consequence: missense variant.
Genome position (GRCh38, 1-based): chr8:105,802,733, G>A. VCF-style: chr8-105802733-G-A. GRCh37 (hg19) VCF-style: chr8-106814961-G-A.
Other names: c.2492G>A, p.Arg831His (NM_001362836.2); c.2255G>A, p.Arg752His (NM_001362837.2); short protein forms R884H, R752H, R831H.
Identifiers: ClinVar variation 578695 (VCV000578695.7), dbSNP rs747995106, ClinGen allele CA4839939.
Genomic context (GRCh38, chr8:105,802,733, plus strand): 5'-ATAAGGTAGAAAACTATCTGGCCCACAAGCAGAATTTCTGCCCGGTTACTGCACATCAGC[G>A]TAATGACCTGGGTCAACTGGACGGCAAAGTGTTTCCGAATCCAGAAAGCGAACGAAACAG-3'
Protein context (NP_036214.2, residues 874-894): QNFCPVTAHQ[Arg884His]NDLGQLDGKV

ClinVar aggregate classification (germline): Uncertain significance (1 of 4 stars; one submission).

Conditions:
46,XY sex reversal 9 (SRXY9). Also called: 46,XY SEX REVERSAL, ZFPM2-RELATED. Identifiers: Orphanet 251510, MedGen C4015129, MONDO:0014480, OMIM 616067.

Allele frequency attached by ClinVar (database versions not stated): gnomAD 0.00002; TOPMed 0.00004.
gnomAD v4.1: 71 of 1,613,042 alleles (0.0044%); highest among the groups gnomAD compares: South Asian, 0.017%; no homozygotes.

Submission:

Labcorp Genetics (formerly Invitae), Labcorp
Classification: Uncertain significance for 46,XY sex reversal 9. Last evaluated: 2025-04-23. Review status: criteria provided, single submitter. Criteria: Invitae Variant Classification Sherloc (09022015). Collection method: clinical testing. Allele origin: germline.
Comment: This sequence change replaces arginine, which is basic and polar, with histidine, which is basic and polar, at codon 884 of the ZFPM2 protein (p.Arg884His). This variant is present in population databases (rs747995106, gnomAD 0.006%). This variant has not been reported in the literature in individuals affected with ZFPM2-related conditions. ClinVar contains an entry for this variant (Variation ID: 578695). An algorithm developed to predict the effect of missense changes on protein structure and function (PolyPhen-2) suggests that this variant is likely to be tolerated. In summary, the available evidence is currently insufficient to determine the role of this variant in disease. Therefore, it has been classified as a Variant of Uncertain Significance.